The following is an entry in ClinVar:

ClinVar aggregate classification (germline): Benign (1 of 4 stars; one submission).

Submission:

GeneDx
Classification: Benign. Last evaluated: 2014-01-28. Review status: criteria provided, single submitter. Criteria: GeneDx Variant Classification (06012015). Collection method: clinical testing. Allele origin: germline. Affected: yes.
Comment: This variant is considered likely benign or benign based on one or more of the following criteria: it is a conservative change, it occurs at a poorly conserved position in the protein, it is predicted to be benign by multiple in silico algorithms, and/or has population frequency not consistent with disease.

NM_025219.3(DNAJC5):c.501A>G (p.Thr167=)

Gene: DNAJC5 (DnaJ heat shock protein family (Hsp40) member C5; plus strand). Cytogenetic location: 20q13.33.
Variant type: single nucleotide variant.
Coding change: c.501A>G on transcript NM_025219.3 (MANE Select); coding-DNA position 501, A replaced by G.
Protein change: p.Thr167=; no amino-acid change (threonine 167 retained).
Molecular consequence: synonymous variant.
Genome position (GRCh38, 1-based): chr20:63,931,472, A>G. VCF-style: chr20-63931472-A-G. GRCh37 (hg19) VCF-style: chr20-62562825-A-G.
Other names: p.T167T:ACA>ACG.
Identifiers: ClinVar variation 137125 (VCV000137125.1), dbSNP rs587780922, ClinGen allele CA290646.